The following is an entry in ClinVar:

NM_002617.4(PEX10):c.776+8C>T

Gene: PEX10 (peroxisomal biogenesis factor 10; minus strand). Cytogenetic location: 1p36.32.
Variant type: single nucleotide variant.
Coding change: c.776+8C>T on transcript NM_002617.4 (MANE Select); 8 bases into the intron after coding-DNA position 776, C replaced by T.
Molecular consequence: intron variant.
Genome position (GRCh38, 1-based): chr1:2,406,712, G>A on the plus strand (C>T on the coding strand, the complement: PEX10 is on the minus strand). VCF-style: chr1-2406712-G-A. GRCh37 (hg19) VCF-style: chr1-2338151-G-A.
Other names: c.344+8C>T (NM_001374427.1); c.401+8C>T (NM_001374426.1); c.833+8C>T (NM_001374425.1); c.836+8C>T (NM_153818.2).
Identifiers: ClinVar variation 296274 (VCV000296274.17), dbSNP rs370594705, ClinGen allele CA538035.
Genomic context (GRCh38, chr1:2,406,712, plus strand): 5'-TGCACCTTACAGGTCCTTGTGAAGTGCCCAGGACACCCCCAGCCCCCATGTGTGGCCCCC[G>A]CACGCACCTGCGGTGAGACAGGCCGCGGTGCAGCCTCCACTCCTTCCTGGCTCGCTGCCG-3'

ClinVar aggregate classification (germline): Conflicting classifications of pathogenicity. Review status: criteria provided, conflicting classifications (1 of 4 stars). 4 submissions from 4 submitters: Uncertain significance (1); Likely benign (2). 1 of the submissions does not count toward it. Last evaluated 2026-01-28.

Conditions:
PEX10-related disorder. Also called: PEX10-related condition.
Peroxisome biogenesis disorder, complementation group 7 (CG7). Also called: Peroxisome biogenesis disorder, complementation group B. Identifiers: MedGen C1864399.
Peroxisome biogenesis disorder 6A (Zellweger). Also called: Peroxisome biogenesis disorder 6A. Identifiers: Orphanet 912, MedGen C3553947, MONDO:0013936, OMIM 614870.

Allele frequency attached by ClinVar (database versions not stated): gnomAD 0.00021 and 0.00022; TOPMed 0.00022; ESP Exome Variant Server 0.00023; ExAC 0.00026.
gnomAD v4.1: 480 of 1,608,024 alleles (0.03%); highest among the groups gnomAD compares: Non-Finnish European, 0.038%; 1 homozygote.

Submissions (4):

Labcorp Genetics (formerly Invitae), Labcorp
Classification: Likely benign for Peroxisome biogenesis disorder, complementation group 7. Last evaluated: 2026-01-28. Review status: criteria provided, single submitter. Criteria: Invitae Variant Classification Sherloc (09022015). Collection method: clinical testing. Allele origin: germline.

Blueprint Genetics
Classification: Likely benign. Last evaluated: 2024-09-03. Review status: criteria provided, single submitter. Criteria: ACMG Guidelines, 2015. Collection method: clinical testing. Allele origin: germline.

Illumina Laboratory Services, Illumina
Classification: Uncertain significance for Peroxisome biogenesis disorder 6A (Zellweger). Last evaluated: 2018-01-12. Review status: criteria provided, single submitter. Criteria: ICSL Variant Classification Criteria 13 December 2019. Collection method: clinical testing. Allele origin: germline.

PreventionGenetics, part of Exact Sciences
Classification: Likely benign for PEX10-related condition. Last evaluated: 2023-12-07. Review status: no assertion criteria provided. Collection method: clinical testing. Allele origin: germline. Not counted in ClinVar's aggregate classification.
Comment: This variant is classified as likely benign based on ACMG/AMP sequence variant interpretation guidelines (Richards et al. 2015 PMID: 25741868, with internal and published modifications).